The following is an entry in ClinVar:

NM_003327.4(TNFRSF4):c.177C>T (p.Ser59=)

Gene: TNFRSF4 (TNF receptor superfamily member 4; minus strand). Cytogenetic location: 1p36.33.
Variant type: single nucleotide variant.
Coding change: c.177C>T on transcript NM_003327.4 (MANE Select); coding-DNA position 177, C replaced by T.
Protein change: p.Ser59=; no amino-acid change (serine 59 retained).
Molecular consequence: synonymous variant.
Genome position (GRCh38, 1-based): chr1:1,213,754, G>A on the plus strand (C>T on the coding strand, the complement: TNFRSF4 is on the minus strand). VCF-style: chr1-1213754-G-A. GRCh37 (hg19) VCF-style: chr1-1149134-G-A.
Identifiers: ClinVar variation 737955 (VCV000737955.27), dbSNP rs144102157, ClinGen allele CA512634.

ClinVar aggregate classification (germline): Likely benign. Review status: criteria provided, multiple submitters, no conflicts (2 of 4 stars). 4 submissions from 4 submitters: Likely benign (3). 1 of the submissions does not count toward it. Last evaluated 2026-01-05.

Conditions:
TNFRSF4-related disorder. Also called: TNFRSF4-related condition.
Combined immunodeficiency due to OX40 deficiency. Also called: OX40 DEFICIENCY; Immunodeficiency 16. Identifiers: Orphanet 431149, MedGen C3810053, MONDO:0014268, OMIM 615593.

Allele frequency attached by ClinVar (database versions not stated): TOPMed 0.00019; gnomAD exomes 0.00020 and 0.00025; gnomAD 0.00021 and 0.00024; ESP Exome Variant Server 0.00023; ExAC 0.00036.
gnomAD v4.1: 394 of 1,603,120 alleles (0.025%); highest among the groups gnomAD compares: Non-Finnish European, 0.029%; 1 homozygote.

Submissions (4):

Labcorp Genetics (formerly Invitae), Labcorp
Classification: Likely benign for Combined immunodeficiency due to OX40 deficiency. Last evaluated: 2026-01-05. Review status: criteria provided, single submitter. Criteria: Invitae Variant Classification Sherloc (09022015). Collection method: clinical testing. Allele origin: germline.

CeGaT Center for Human Genetics Tuebingen
Classification: Likely benign. Last evaluated: 2026-01-01. Review status: criteria provided, single submitter. Criteria: CeGaT Center For Human Genetics Tuebingen Variant Classification Criteria Version 2. Collection method: clinical testing. Allele origin: germline. Affected: yes. Observed: 2 variant alleles.
Comment: TNFRSF4: BP4, BP7

Blueprint Genetics
Classification: Likely benign. Last evaluated: 2024-11-25. Review status: criteria provided, single submitter. Criteria: ACMG Guidelines, 2015. Collection method: clinical testing. Allele origin: germline.

PreventionGenetics, part of Exact Sciences
Classification: Likely benign for TNFRSF4-related condition. Last evaluated: 2019-06-25. Review status: no assertion criteria provided. Collection method: clinical testing. Allele origin: germline. Not counted in ClinVar's aggregate classification.
Comment: This variant is classified as likely benign based on ACMG/AMP sequence variant interpretation guidelines (Richards et al. 2015 PMID: 25741868, with internal and published modifications).